The following is an entry in ClinVar:

ClinVar aggregate classification (germline): Uncertain significance (1 of 4 stars; one submission).

Submission:

GeneDx
Classification: Uncertain significance. Last evaluated: 2022-10-04. Review status: criteria provided, single submitter. Criteria: GeneDx Variant Classification Process June 2021. Collection method: clinical testing. Allele origin: germline. Affected: yes.
Comment: Not observed at significant frequency in large population cohorts (gnomAD); In silico analysis supports that this missense variant does not alter protein structure/function; Has not been previously published as pathogenic or benign to our knowledge

NM_019842.4(KCNQ5):c.1532T>C (p.Val511Ala)

Gene: KCNQ5 (potassium voltage-gated channel subfamily Q member 5; plus strand). Cytogenetic location: 6q13.
Variant type: single nucleotide variant.
Coding change: c.1532T>C on transcript NM_019842.4 (MANE Select); coding-DNA position 1532, T replaced by C.
Protein change: p.Val511Ala; replaces valine 511 with alanine.
Molecular consequence: missense variant. On other transcripts: intron variant (1).
Genome position (GRCh38, 1-based): chr6:73,169,809, T>C. VCF-style: chr6-73169809-T-C. GRCh37 (hg19) VCF-style: chr6-73879532-T-C.
Other names: c.1505T>C, p.Val502Ala (NM_001160130.2); c.1562T>C, p.Val521Ala (NM_001160132.2); c.1589T>C, p.Val530Ala (NM_001160133.2); c.1248-20764T>C (NM_001160134.2); short protein forms V502A, V511A, V521A, V530A.
Identifiers: ClinVar variation 2497804 (VCV002497804.1), dbSNP rs2533867107, ClinGen allele CA364691407.